The following is an entry in ClinVar:

NM_024577.4(SH3TC2):c.1002-119G>A

Gene: SH3TC2 (SH3 domain and tetratricopeptide repeats 2; minus strand). Cytogenetic location: 5q32.
Variant type: single nucleotide variant.
Coding change: c.1002-119G>A on transcript NM_024577.4 (MANE Select); 119 bases into the intron before coding-DNA position 1002, G replaced by A.
Molecular consequence: intron variant.
Genome position (GRCh38, 1-based): chr5:149,031,806, C>T on the plus strand (G>A on the coding strand, the complement: SH3TC2 is on the minus strand). VCF-style: chr5-149031806-C-T. GRCh37 (hg19) VCF-style: chr5-148411369-C-T.
Identifiers: ClinVar variation 670074 (VCV000670074.1), dbSNP rs11168081, ClinGen allele CA128990741.
Genomic context (GRCh38, chr5:149,031,806, plus strand): 5'-TCTTCTCTCCACACTAGGATGTAGTGGAGGATGCAGAAAAGTCATCAAACCAACTTCCCG[C>T]AAATGAAATTAGATTCCTCATCTCACCATTGCATACTGTATTTATACTGCCAAAAAAGAA-3'

ClinVar aggregate classification (germline): Benign (1 of 4 stars; one submission).

Allele frequency attached by ClinVar (database versions not stated): gnomAD exomes 0.99111; TOPMed 0.99417; gnomAD 0.99455 and 0.99465; 1000 Genomes Project 30x 0.99703; 1000 Genomes Project 0.99720.
gnomAD v4.1: 1,295,825 of 1,306,852 alleles (99%); highest among the groups gnomAD compares: East Asian, 100%; 642,457 homozygotes.

Submission:

GeneDx
Classification: Benign. Last evaluated: 2018-06-14. Review status: criteria provided, single submitter. Criteria: GeneDx Variant Classification (06012015). Collection method: clinical testing. Allele origin: germline. Affected: yes.
Comment: This variant is considered likely benign or benign based on one or more of the following criteria: it is a conservative change, it occurs at a poorly conserved position in the protein, it is predicted to be benign by multiple in silico algorithms, and/or has population frequency not consistent with disease.